The following is an entry in ClinVar:

NM_000234.3(LIG1):c.575-10C>G

Gene: LIG1 (DNA ligase 1; minus strand). Cytogenetic location: 19q13.33.
Variant type: single nucleotide variant.
Coding change: c.575-10C>G on transcript NM_000234.3 (MANE Select); 10 bases into the intron before coding-DNA position 575, C replaced by G.
Molecular consequence: intron variant.
Genome position (GRCh38, 1-based): chr19:48,150,220, G>C on the plus strand (C>G on the coding strand, the complement: LIG1 is on the minus strand). VCF-style: chr19-48150220-G-C. GRCh37 (hg19) VCF-style: chr19-48653477-G-C.
Other names: c.482-10C>G (NM_001289063.2); c.485-10C>G (NM_001320971.2); c.371-10C>G (NM_001289064.2); c.572-10C>G (NM_001320970.2); c.575-10C>G (NM_000234.2).
Identifiers: ClinVar variation 1897916 (VCV001897916.7), dbSNP rs199503332, ClinGen allele CA9547213.

ClinVar aggregate classification (germline): Likely benign. Review status: criteria provided, single submitter (1 of 4 stars). 2 submissions from 2 submitters: Likely benign (1). 1 of the submissions does not count toward it. Last evaluated 2025-02-17.

Conditions:
LIG1-related disorder. Also called: LIG1-related condition.

Allele frequency attached by ClinVar (database versions not stated): ExAC 0.00002; gnomAD 0.00002; gnomAD exomes 0.00003; TOPMed 0.00003; 1000 Genomes Project 0.00020; 1000 Genomes Project 30x 0.00031.
gnomAD v4.1: 49 of 1,614,102 alleles (0.003%); highest among the groups gnomAD compares: Middle Eastern, 0.05%; no homozygotes.

Submissions (2):

Labcorp Genetics (formerly Invitae), Labcorp
Classification: Likely benign. Last evaluated: 2025-02-17. Review status: criteria provided, single submitter. Criteria: Invitae Variant Classification Sherloc (09022015). Collection method: clinical testing. Allele origin: germline.

PreventionGenetics, part of Exact Sciences
Classification: Likely benign for LIG1-related condition. Last evaluated: 2019-02-23. Review status: no assertion criteria provided. Collection method: clinical testing. Allele origin: germline. Not counted in ClinVar's aggregate classification.
Comment: This variant is classified as likely benign based on ACMG/AMP sequence variant interpretation guidelines (Richards et al. 2015 PMID: 25741868, with internal and published modifications).